The following is an entry in ClinVar:

NM_005045.4(RELN):c.7181-28del

Gene: RELN (reelin; minus strand). Cytogenetic location: 7q22.1.
Variant type: Deletion.
Coding change: c.7181-28del on transcript NM_005045.4 (MANE Select); 28 bases into the intron before coding-DNA position 7181, one base deleted (A; older notation c.7181-28delA).
Molecular consequence: intron variant.
Genome position (GRCh38, 1-based): chr7:103,535,512, T deleted on the plus strand (A on the coding strand, the reverse complement: RELN is on the minus strand). VCF-style (leftmost placement, unchanged base first): chr7-103535511-AT-A. GRCh37 (hg19) VCF-style: chr7-103175958-AT-A.
Other names: c.7181-28del (NM_173054.3).
Identifiers: ClinVar variation 3034711 (VCV003034711.2), dbSNP rs558574019, ClinGen allele CA4420789.
Genomic context (GRCh38, chr7:103,535,511, plus strand): 5'-AATCCAAGATCTACTGAGTATTCCAATTCAATCGCTGAAACAGGAAACATTATTTTGGAT[AT>A]AAACACATATCTGCAGACCCAGGAACCATAATTGTTTATCACATTTGTGTATGTTTTAGT-3'

ClinVar aggregate classification (germline): Likely benign (0 of 4 stars; one submission).

Conditions:
RELN-related disorder. Also called: RELN-related condition.

Allele frequency attached by ClinVar (database versions not stated): 1000 Genomes Project 0.00100; ExAC 0.00110; TOPMed 0.00114; gnomAD 0.00116; 1000 Genomes Project 30x 0.00141; gnomAD exomes 0.00160; ESP Exome Variant Server 0.00192.

Submission:

PreventionGenetics, part of Exact Sciences
Classification: Likely benign for RELN-related condition. Last evaluated: 2022-11-09. Review status: no assertion criteria provided. Collection method: clinical testing. Allele origin: germline.
Comment: This variant is classified as likely benign based on ACMG/AMP sequence variant interpretation guidelines (Richards et al. 2015 PMID: 25741868, with internal and published modifications).